The following is an entry in ClinVar:

ClinVar aggregate classification (germline): Benign/Likely benign. Review status: criteria provided, multiple submitters, no conflicts (2 of 4 stars). 2 submissions from 2 submitters: Benign (1); Likely benign (1). Last evaluated 2025-02-03.

Conditions:
Hereditary cancer-predisposing syndrome. Also called: Neoplastic Syndromes, Hereditary; Tumor predisposition; Hereditary Cancer Syndrome; Hereditary neoplastic syndrome. Identifiers: Orphanet 140162, MedGen C0027672, MeSH D009386, MONDO:0015356.
Lynch syndrome 4 (LYNCH4). Also called: Hereditary non-polyposis colorectal cancer, type 4; Colorectal cancer, hereditary nonpolyposis, type 4. Identifiers: Orphanet 144, MedGen C1838333, MONDO:0013699, OMIM 614337. Disease mechanism: loss of function.

Submissions (2):

Myriad Genetics, Inc.
Classification: Benign for Lynch syndrome 4. Last evaluated: 2025-02-03. Review status: criteria provided, single submitter. Criteria: Myriad Autosomal Dominant, Autosomal Recessive and X-Linked Classification Criteria (2023). Collection method: clinical testing. Allele origin: unknown.
Comment: This variant is considered benign. This variant is a silent/synonymous amino acid change and it is not expected to impact splicing.

Ambry Genetics
Classification: Likely benign for Hereditary cancer-predisposing syndrome. Last evaluated: 2021-06-25. Review status: criteria provided, single submitter. Criteria: Ambry Variant Classification Scheme 2023. Collection method: clinical testing. Allele origin: germline.

NM_000535.7(PMS2):c.2085C>A (p.Ile695=)

Gene: PMS2 (PMS1 homolog 2, mismatch repair system component; minus strand). Cytogenetic location: 7p22.1.
Variant type: single nucleotide variant.
Coding change: c.2085C>A on transcript NM_000535.7 (MANE Select); coding-DNA position 2085, C replaced by A.
Protein change: p.Ile695=; no amino-acid change (isoleucine 695 retained).
Molecular consequence: synonymous variant. On other transcripts: non-coding transcript variant (1), intron variant (4).
Genome position (GRCh38, 1-based): chr7:5,982,913, G>T on the plus strand (C>A on the coding strand, the complement: PMS2 is on the minus strand). VCF-style: chr7-5982913-G-T. GRCh37 (hg19) VCF-style: chr7-6022544-G-T.
Other names: c.1680C>A, p.Ile560= (NM_001018040.1, NM_001322003.2, NM_001322004.2 and 15 more transcripts); c.1929C>A, p.Ile643= (NM_001322006.2, NM_001406870.1); c.1767C>A, p.Ile589= (NM_001322007.2, NM_001322008.2, NM_001406876.1 and 1 more transcripts); c.1524C>A, p.Ile508= (NM_001322010.2, NM_001406906.1, NM_001406907.1); c.1152C>A, p.Ile384= (NM_001322011.2, NM_001322012.2); c.1512C>A, p.Ile504= (NM_001322013.2, NM_001406909.1); c.2085C>A, p.Ile695= (NM_001322014.2, NM_001406871.1); c.1776C>A, p.Ile592= (NM_001322015.2, NM_001406875.1, NM_001406877.1 and 5 more transcripts); and 16 more.
Identifiers: ClinVar variation 1785625 (VCV001785625.3), dbSNP rs757157176, ClinGen allele CA453643375.
Genomic context (GRCh38, chr7:5,982,913, plus strand): 5'-GTGCTGCTGCAGCATCTCGAAGTTATACTTCTCGTCCGTGGCATGCTGGTCCACTATGAA[G>T]ATATCCTCATTCAGTTTGGTTATTATAAATCCCAGGTTAAACTGACCAATGATTTCCATT-3'
Protein context (NP_000526.2, residues 685-705): GFIITKLNED[Ile695=]FIVDQHATDE